The following is an entry in ClinVar:

NM_022489.4(INF2):c.1571G>C (p.Cys524Ser)

Gene: INF2 (inverted formin 2; plus strand). Cytogenetic location: 14q32.33.
Variant type: single nucleotide variant.
Coding change: c.1571G>C on transcript NM_022489.4 (MANE Select); coding-DNA position 1571, G replaced by C.
Protein change: p.Cys524Ser; replaces cysteine 524 with serine.
Molecular consequence: missense variant.
Genome position (GRCh38, 1-based): chr14:104,707,838, G>C. VCF-style: chr14-104707838-G-C. GRCh37 (hg19) VCF-style: chr14-105174175-G-C.
Other names: c.1571G>C, p.Cys524Ser (NM_001031714.4); short protein forms C524S.
Identifiers: ClinVar variation 1361295 (VCV001361295.9), dbSNP rs2140669651, ClinGen allele CA391217540.

ClinVar aggregate classification (germline): Uncertain significance. Review status: criteria provided, multiple submitters, no conflicts (2 of 4 stars). 2 submissions from 2 submitters: Uncertain significance (2). Last evaluated 2023-12-21.

Conditions:
Focal segmental glomerulosclerosis 5 (FSGS5). Identifiers: Orphanet 656, MedGen C2750475, MONDO:0013191, OMIM 613237.
Charcot-Marie-Tooth disease dominant intermediate E. Also called: CHARCOT-MARIE-TOOTH NEUROPATHY WITH FOCAL SEGMENTAL GLOMERULONEPHRITIS. Identifiers: Orphanet 93114, MedGen C4302667, MONDO:0013758, OMIM 614455.

Allele frequency attached by ClinVar (database versions not stated): gnomAD exomes below 0.00001.
gnomAD v4.1: 2 of 1,597,514 alleles (0.00013%); highest among the groups gnomAD compares: Non-Finnish European, 0.00017%; no homozygotes.

Submissions (2):

Labcorp Genetics (formerly Invitae), Labcorp
Classification: Uncertain significance for Charcot-Marie-Tooth disease dominant intermediate E; Focal segmental glomerulosclerosis 5. Last evaluated: 2023-12-21. Review status: criteria provided, single submitter. Criteria: Invitae Variant Classification Sherloc (09022015). Collection method: clinical testing. Allele origin: germline.
Comment: This sequence change replaces cysteine, which is neutral and slightly polar, with serine, which is neutral and polar, at codon 524 of the INF2 protein (p.Cys524Ser). This variant is not present in population databases (gnomAD no frequency). This variant has not been reported in the literature in individuals affected with INF2-related conditions. ClinVar contains an entry for this variant (Variation ID: 1361295). Advanced modeling of protein sequence and biophysical properties (such as structural, functional, and spatial information, amino acid conservation, physicochemical variation, residue mobility, and thermodynamic stability) performed at Invitae indicates that this missense variant is not expected to disrupt INF2 protein function with a negative predictive value of 95%. In summary, the available evidence is currently insufficient to determine the role of this variant in disease. Therefore, it has been classified as a Variant of Uncertain Significance.

Fulgent Genetics
Classification: Uncertain significance for Focal segmental glomerulosclerosis 5; Charcot-Marie-Tooth disease dominant intermediate E. Last evaluated: 2022-03-22. Review status: criteria provided, single submitter. Criteria: ACMG Guidelines, 2015. Collection method: clinical testing. Allele origin: unknown.